The following is an entry in ClinVar:

NM_001365536.1(SCN9A):c.444A>G (p.Pro148=)

Gene: SCN9A (sodium voltage-gated channel alpha subunit 9; minus strand). Cytogenetic location: 2q24.3.
Variant type: single nucleotide variant.
Coding change: c.444A>G on transcript NM_001365536.1 (MANE Select); coding-DNA position 444, A replaced by G.
Protein change: p.Pro148=; no amino-acid change (proline 148 retained).
Molecular consequence: synonymous variant.
Genome position (GRCh38, 1-based): chr2:166,306,533, T>C on the plus strand (A>G on the coding strand, the complement: SCN9A is on the minus strand). VCF-style: chr2-166306533-T-C. GRCh37 (hg19) VCF-style: chr2-167163043-T-C.
Other names: p.Pro148=; c.444A>G, p.Pro148= (NM_002977.4).
Identifiers: ClinVar variation 130269 (VCV000130269.30), dbSNP rs9646771, ClinGen allele CA155133.

ClinVar aggregate classification (germline): Benign/Likely benign. Review status: criteria provided, multiple submitters, no conflicts (2 of 4 stars). 18 submissions from 14 submitters: Benign (13); Likely benign (1). 4 of the submissions do not count toward it. Last evaluated 2026-02-04.

Conditions:
Paroxysmal extreme pain disorder (PEXPD). Also called: SCN9A Paroxysmal Extreme Pain Disorder (SCN9A-PEPD); PAIN, SUBMANDIBULAR, OCULAR, AND RECTAL, WITH FLUSHING; RECTAL PAIN, FAMILIAL. Identifiers: Orphanet 46348, MedGen C1833661, MONDO:0008179, OMIM 167400.
Channelopathy-associated congenital insensitivity to pain, autosomal recessive. Also called: Insensitivity to pain, channelopathy-associated; ASYMBOLIA FOR PAIN; CONGENITAL ANALGESIA, AUTOSOMAL RECESSIVE. Identifiers: Orphanet 88642, Orphanet 970, MedGen C1855739, MONDO:0009459, OMIM 243000.
Primary erythromelalgia. Also called: SCN9A Erythromelalgia (SCN9A-EM); primary erythermalgia. Identifiers: Orphanet 306577, Orphanet 90026, MedGen C0014805, MONDO:0007571, OMIM 133020.
Neuropathy, hereditary sensory and autonomic, type 2A (HSAN2A). Also called: WNK1-Related HSAN2 (HSAN2A); HSAN IIA; MORVAN DISEASE; NEUROPATHY, CONGENITAL SENSORY; NEUROPATHY, HEREDITARY SENSORY RADICULAR, AUTOSOMAL RECESSIVE; NEUROPATHY, HEREDITARY SENSORY, TYPE IIA. Identifiers: Orphanet 970, MedGen C2752089, MONDO:0024309, OMIM 201300.
Generalized epilepsy with febrile seizures plus, type 7 (GEFSP7). Also called: GEFS+, TYPE 7. Identifiers: Orphanet 36387, MedGen C2751778, MONDO:0013470, OMIM 613863.

Allele frequency attached by ClinVar (database versions not stated): 1000 Genomes Project 0.64117; 1000 Genomes Project 30x 0.64897; gnomAD 0.69145 and 0.70187; TOPMed 0.69855; ESP Exome Variant Server 0.71297.
gnomAD v4.1: 1,028,301 of 1,569,836 alleles (66%); highest among the groups gnomAD compares: African/African-American, 84%; 340,100 homozygotes.

Submissions (18):

Labcorp Genetics (formerly Invitae), Labcorp
Classification: Benign for Neuropathy, hereditary sensory and autonomic, type 2A; Generalized epilepsy with febrile seizures plus, type 7. Last evaluated: 2026-02-04. Review status: criteria provided, single submitter. Criteria: Invitae Variant Classification Sherloc (09022015). Collection method: clinical testing. Allele origin: germline.

Blueprint Genetics
Classification: Likely benign. Last evaluated: 2024-11-26. Review status: criteria provided, single submitter. Criteria: ACMG Guidelines, 2015. Collection method: clinical testing. Allele origin: germline.

Unidad de Genómica Garrahan, Hospital de Pediatría Garrahan
Classification: Benign. Last evaluated: 2024-07-15. Review status: criteria provided, single submitter. Criteria: ACMG Guidelines, 2015. Collection method: clinical testing. Allele origin: germline. Affected: no. Observed: 78 variant alleles.
Comment: This variant is classified as Benign based on local population frequency. This variant was detected in 84% of patients studied in a panel designed for Epileptic and Developmental Encephalopathy and Progressive Myoclonus Epilepsy. Number of patients: 78. Only high quality variants are reported.

Genome-Nilou Lab
Classification: Benign for Primary erythromelalgia. Last evaluated: 2021-07-15. Review status: criteria provided, single submitter. Criteria: ACMG Guidelines, 2015. Collection method: clinical testing. Allele origin: germline. Affected: no.

Genome-Nilou Lab
Classification: Benign for Channelopathy-associated congenital insensitivity to pain, autosomal recessive. Last evaluated: 2021-07-15. Review status: criteria provided, single submitter. Criteria: ACMG Guidelines, 2015. Collection method: clinical testing. Allele origin: germline. Affected: no.

Genome-Nilou Lab
Classification: Benign for Paroxysmal extreme pain disorder. Last evaluated: 2021-07-15. Review status: criteria provided, single submitter. Criteria: ACMG Guidelines, 2015. Collection method: clinical testing. Allele origin: germline. Affected: no.

Athena Diagnostics
Classification: Benign. Last evaluated: 2018-05-06. Review status: criteria provided, single submitter. Criteria: Athena Diagnostics Criteria. Collection method: clinical testing. Allele origin: germline.

Mayo Clinic Laboratories, Mayo Clinic
Classification: Benign. Last evaluated: 2018-03-12. Review status: criteria provided, single submitter. Criteria: ACMG Guidelines, 2015. Collection method: clinical testing. Allele origin: germline. Observed: 1,702 variant alleles.

Illumina Laboratory Services, Illumina
Classification: Benign for Channelopathy-associated congenital insensitivity to pain, autosomal recessive. Last evaluated: 2018-01-12. Review status: criteria provided, single submitter. Criteria: ICSL Variant Classification Criteria 13 December 2019. Collection method: clinical testing. Allele origin: germline.
Comment: This variant was observed in the ICSL laboratory as part of a predisposition screen in an ostensibly healthy population. It had not been previously curated by ICSL or reported in the Human Gene Mutation Database (HGMD: prior to June 1st, 2018), and was therefore a candidate for classification through an automated scoring system. Utilizing variant allele frequency, disease prevalence and penetrance estimates, and inheritance mode, an automated score was calculated to assess if this variant is too frequent to cause the disease. Based on the score and internal cut-off values, a variant classified as benign is not then subjected to further curation. The score for this variant resulted in a classification of benign for this disease.

Illumina Laboratory Services, Illumina
Classification: Benign for Primary erythromelalgia. Last evaluated: 2018-01-12. Review status: criteria provided, single submitter. Criteria: ICSL Variant Classification Criteria 13 December 2019. Collection method: clinical testing. Allele origin: germline.
Comment: the same text as in the submission from Illumina Laboratory Services, Illumina above.

Illumina Laboratory Services, Illumina
Classification: Benign for Paroxysmal extreme pain disorder. Last evaluated: 2018-01-12. Review status: criteria provided, single submitter. Criteria: ICSL Variant Classification Criteria 13 December 2019. Collection method: clinical testing. Allele origin: germline.
Comment: the same text as in the submission from Illumina Laboratory Services, Illumina above.

GeneDx
Classification: Benign. Last evaluated: 2015-03-03. Review status: criteria provided, single submitter. Criteria: GeneDx Variant Classification Process June 2021. Collection method: clinical testing. Allele origin: germline. Affected: yes.

Breakthrough Genomics
Classification: Benign. Review status: criteria provided, single submitter. Criteria: ACMG Guidelines, 2015. Collection method: not provided. Allele origin: germline. Inheritance: Autosomal recessive inheritance. Affected: yes.

PreventionGenetics, part of Exact Sciences
Classification: Benign. Review status: criteria provided, single submitter. Criteria: ACMG Guidelines, 2015. Collection method: clinical testing. Allele origin: germline.

Clinical Genetics, Academic Medical Center
Classification: Benign. Review status: no assertion criteria provided. Collection method: clinical testing. Allele origin: germline. Affected: yes. Study: VKGL Data-share Consensus. Not counted in ClinVar's aggregate classification.

Diagnostic Laboratory, Department of Genetics, University Medical Center Groningen
Classification: Benign. Review status: no assertion criteria provided. Collection method: clinical testing. Allele origin: germline. Affected: yes. Study: VKGL Data-share Consensus. Not counted in ClinVar's aggregate classification.

Genetic Services Laboratory, University of Chicago
Classification: Likely benign for AllHighlyPenetrant. Review status: no assertion criteria provided. Collection method: clinical testing. Allele origin: germline. Inheritance: Autosomal dominant inheritance. Not counted in ClinVar's aggregate classification.
Comment: Likely benign based on allele frequency in 1000 Genomes Project or ESP global frequency and its presence in a patient with a rare or unrelated disease phenotype. NOT Sanger confirmed.

Genome Diagnostics Laboratory, University Medical Center Utrecht
Classification: Benign. Review status: no assertion criteria provided. Collection method: clinical testing. Allele origin: germline. Affected: yes. Study: VKGL Data-share Consensus. Not counted in ClinVar's aggregate classification.